The following is an entry in ClinVar:

NM_000214.3(JAG1):c.1579G>A (p.Asp527Asn)

Gene: JAG1 (jagged canonical Notch ligand 1; minus strand). Cytogenetic location: 20p12.2.
Variant type: single nucleotide variant.
Coding change: c.1579G>A on transcript NM_000214.3 (MANE Select); coding-DNA position 1579, G replaced by A.
Protein change: p.Asp527Asn; replaces aspartic acid 527 with asparagine.
Molecular consequence: missense variant.
Genome position (GRCh38, 1-based): chr20:10,648,101, C>T on the plus strand (G>A on the coding strand, the complement: JAG1 is on the minus strand). VCF-style: chr20-10648101-C-T. GRCh37 (hg19) VCF-style: chr20-10628749-C-T.
Other names: c.1579G>A (NM_000214.2); short protein forms D527N.
Identifiers: ClinVar variation 2157934 (VCV002157934.5), dbSNP rs934594487, ClinGen allele CA311347000.

ClinVar aggregate classification (germline): Uncertain significance. Review status: criteria provided, multiple submitters, no conflicts (2 of 4 stars). 2 submissions from 2 submitters: Uncertain significance (2). Last evaluated 2023-11-02.

Conditions:
Cardiovascular phenotype. Identifiers: MedGen CN230736.
Alagille syndrome due to a JAG1 point mutation. Also called: HEPATIC DUCTULAR HYPOPLASIA, SYNDROMATIC; JAG1-Related Alagille Syndrome; Alagille Syndrome 1. Identifiers: Orphanet 261619, Orphanet 52, MedGen C1956125, MONDO:0016862, OMIM 118450.

Allele frequency attached by ClinVar (database versions not stated): gnomAD exomes below 0.00001; TOPMed below 0.00001; gnomAD 0.00001.
gnomAD v4.1: 4 of 1,613,952 alleles (0.00025%); highest among the groups gnomAD compares: Admixed American, 0.0017%; no homozygotes.

Submissions (2):

Ambry Genetics
Classification: Uncertain significance for Cardiovascular phenotype. Last evaluated: 2023-11-02. Review status: criteria provided, single submitter. Criteria: Ambry Variant Classification Scheme 2023. Collection method: clinical testing. Allele origin: germline.
Comment: The p.D527N variant (also known as c.1579G>A), located in coding exon 13 of the JAG1 gene, results from a G to A substitution at nucleotide position 1579. The aspartic acid at codon 527 is replaced by asparagine, an amino acid with highly similar properties. This amino acid position is conserved. In addition, the in silico prediction for this alteration is inconclusive. Since supporting evidence is limited at this time, the clinical significance of this alteration remains unclear.

Labcorp Genetics (formerly Invitae), Labcorp
Classification: Uncertain significance for Alagille syndrome due to a JAG1 point mutation. Last evaluated: 2022-03-26. Review status: criteria provided, single submitter. Criteria: Invitae Variant Classification Sherloc (09022015). Collection method: clinical testing. Allele origin: germline.
Comment: This sequence change replaces aspartic acid, which is acidic and polar, with asparagine, which is neutral and polar, at codon 527 of the JAG1 protein (p.Asp527Asn). In summary, the available evidence is currently insufficient to determine the role of this variant in disease. Therefore, it has been classified as a Variant of Uncertain Significance. Advanced modeling of protein sequence and biophysical properties (such as structural, functional, and spatial information, amino acid conservation, physicochemical variation, residue mobility, and thermodynamic stability) performed at Invitae indicates that this missense variant is not expected to disrupt JAG1 protein function. This variant has not been reported in the literature in individuals affected with JAG1-related conditions. This variant is not present in population databases (gnomAD no frequency).